The following is an entry in ClinVar:

NM_001040108.2(MLH3):c.1925T>G (p.Phe642Cys)

Gene: MLH3 (mutL homolog 3; minus strand). Cytogenetic location: 14q24.3.
Variant type: single nucleotide variant.
Coding change: c.1925T>G on transcript NM_001040108.2 (MANE Select); coding-DNA position 1925, T replaced by G.
Protein change: p.Phe642Cys; replaces phenylalanine 642 with cysteine.
Molecular consequence: missense variant.
Genome position (GRCh38, 1-based): chr14:75,047,731, A>C on the plus strand (T>G on the coding strand, the complement: MLH3 is on the minus strand). VCF-style: chr14-75047731-A-C. GRCh37 (hg19) VCF-style: chr14-75514434-A-C.
Other names: c.1925T>G, p.Phe642Cys (NM_014381.3); short protein forms F642C.
Identifiers: ClinVar variation 1782762 (VCV001782762.3), dbSNP rs777245092, ClinGen allele CA263652705.

ClinVar aggregate classification (germline): Uncertain significance. Review status: criteria provided, multiple submitters, no conflicts (2 of 4 stars). 2 submissions from 2 submitters: Uncertain significance (2). Last evaluated 2024-12-21.

Conditions:
Endometrial carcinoma. Also called: Endometrial carcinoma, somatic. Identifiers: MedGen C0476089, MONDO:0002447, OMIM 608089, HP:0012114.
Colorectal cancer, hereditary nonpolyposis, type 7. Identifiers: Orphanet 144, MedGen C1858380, MONDO:0013725, OMIM 614385.
Colorectal cancer. Also called: Colorectal cancer, somatic; Malignant Colorectal Neoplasm. Identifiers: MedGen C0346629, MONDO:0005575, OMIM 114500.

gnomAD v4.1: 1 of 1,614,098 alleles (0.000062%); highest among the groups gnomAD compares: Non-Finnish European, 0.000085%; no homozygotes.

Submissions (2):

Ambry Genetics
Classification: Uncertain significance. Last evaluated: 2024-12-21. Review status: criteria provided, single submitter. Criteria: Ambry Variant Classification Scheme 2023. Collection method: clinical testing. Allele origin: germline.
Comment: The p.F642C variant (also known as c.1925T>G), located in coding exon 1 of the MLH3 gene, results from a T to G substitution at nucleotide position 1925. The phenylalanine at codon 642 is replaced by cysteine, an amino acid with highly dissimilar properties. This amino acid position is well conserved in available vertebrate species. In addition, this alteration is predicted to be tolerated by in silico analysis. Since supporting evidence is limited at this time, the clinical significance of this alteration remains unclear.

Department of Pathology and Laboratory Medicine, Sinai Health System
Classification: Uncertain significance for Colorectal cancer; Endometrial carcinoma; Colorectal cancer, hereditary nonpolyposis, type 7. Last evaluated: 2021-10-13. Review status: criteria provided, single submitter. Criteria: ACMG Guidelines, 2015. Collection method: clinical testing. Allele origin: germline. Affected: no.

Literature cited by the submitters: PubMed 33606809 (cited by Ambry Genetics).